The following is an entry in ClinVar:

ClinVar aggregate classification (germline): Uncertain significance (1 of 4 stars; one submission).

Conditions:
Norman-Roberts syndrome (LIS2). Also called: Lissencephaly 2 (Norman-Roberts type). Identifiers: Orphanet 89844, MedGen C0796089, MONDO:0009760, OMIM 257320.
Familial temporal lobe epilepsy 7. Identifiers: Orphanet 101046, MedGen C4225327, MONDO:0014639, OMIM 616436.

Allele frequency attached by ClinVar (database versions not stated): gnomAD exomes below 0.00001.
gnomAD v4.1: 5 of 1,613,746 alleles (0.00031%); highest among the groups gnomAD compares: Admixed American, 0.0017%; no homozygotes.

Submission:

Labcorp Genetics (formerly Invitae), Labcorp
Classification: Uncertain significance for Familial temporal lobe epilepsy 7; Norman-Roberts syndrome. Last evaluated: 2020-08-05. Review status: criteria provided, single submitter. Criteria: Invitae Variant Classification Sherloc (09022015). Collection method: clinical testing. Allele origin: germline.
Comment: This variant has not been reported in the literature in individuals with RELN-related conditions. Algorithms developed to predict the effect of missense changes on protein structure and function are either unavailable or do not agree on the potential impact of this missense change (SIFT: "Deleterious"; PolyPhen-2: "Probably Damaging"; Align-GVGD: "Class C0"). In summary, the available evidence is currently insufficient to determine the role of this variant in disease. Therefore, it has been classified as a Variant of Uncertain Significance. This sequence change replaces tyrosine with cysteine at codon 314 of the RELN protein (p.Tyr314Cys). The tyrosine residue is moderately conserved and there is a large physicochemical difference between tyrosine and cysteine. This variant is present in population databases (rs770001337, ExAC 0.009%).

NM_005045.4(RELN):c.941A>G (p.Tyr314Cys)

Gene: RELN (reelin; minus strand). Cytogenetic location: 7q22.1.
Variant type: single nucleotide variant.
Coding change: c.941A>G on transcript NM_005045.4 (MANE Select); coding-DNA position 941, A replaced by G.
Protein change: p.Tyr314Cys; replaces tyrosine 314 with cysteine.
Molecular consequence: missense variant.
Genome position (GRCh38, 1-based): chr7:103,698,055, T>C on the plus strand (A>G on the coding strand, the complement: RELN is on the minus strand). VCF-style: chr7-103698055-T-C. GRCh37 (hg19) VCF-style: chr7-103338502-T-C.
Other names: c.941A>G, p.Tyr314Cys (NM_173054.3); short protein forms Y314C.
Identifiers: ClinVar variation 1045415 (VCV001045415.8), dbSNP rs770001337, ClinGen allele CA4422394.